The following is an entry in ClinVar:

ClinVar aggregate classification (germline): Benign/Likely benign. Review status: criteria provided, multiple submitters, no conflicts (2 of 4 stars). 2 submissions from 2 submitters: Benign (1); Likely benign (1). Last evaluated 2025-12-31.

Conditions:
Myofibrillar myopathy 5. Also called: Filaminopathy (type); FILAMINOPATHY, AUTOSOMAL DOMINANT. Identifiers: Orphanet 171445, MedGen C1836050, MONDO:0012289, OMIM 609524.
Distal myopathy with posterior leg and anterior hand involvement. Also called: WILLIAMS DISTAL MYOPATHY. Identifiers: Orphanet 63273, MedGen C3279722, MONDO:0013550, OMIM 614065.
Hypertrophic cardiomyopathy 26. Also called: Cardiomyopathy, familial hypertrophic, 26. Identifiers: Orphanet 75249, MedGen C4310749, MONDO:0014883, OMIM 617047.

Allele frequency attached by ClinVar (database versions not stated): ExAC 0.00013; ESP Exome Variant Server 0.00032; gnomAD 0.00036 and 0.00041; TOPMed 0.00040.
gnomAD v4.1: 115 of 1,613,644 alleles (0.0071%); highest among the groups gnomAD compares: African/African-American, 0.15%; no homozygotes.

Submissions (2):

Labcorp Genetics (formerly Invitae), Labcorp
Classification: Benign for Distal myopathy with posterior leg and anterior hand involvement; Myofibrillar myopathy 5; Hypertrophic cardiomyopathy 26. Last evaluated: 2025-12-31. Review status: criteria provided, single submitter. Criteria: Invitae Variant Classification Sherloc (09022015). Collection method: clinical testing. Allele origin: germline.

GeneDx
Classification: Likely benign. Last evaluated: 2017-03-23. Review status: criteria provided, single submitter. Criteria: GeneDx Variant Classification (06012015). Collection method: clinical testing. Allele origin: germline. Affected: yes.
Comment: This variant is considered likely benign or benign based on one or more of the following criteria: it is a conservative change, it occurs at a poorly conserved position in the protein, it is predicted to be benign by multiple in silico algorithms, and/or has population frequency not consistent with disease.

NM_001458.5(FLNC):c.4457-19C>G

Gene: FLNC (filamin C; plus strand). Cytogenetic location: 7q32.1.
Variant type: single nucleotide variant.
Coding change: c.4457-19C>G on transcript NM_001458.5 (MANE Select); 19 bases into the intron before coding-DNA position 4457, C replaced by G.
Molecular consequence: intron variant.
Genome position (GRCh38, 1-based): chr7:128,847,926, C>G. VCF-style: chr7-128847926-C-G. GRCh37 (hg19) VCF-style: chr7-128487980-C-G.
Other names: c.4457-19C>G (NM_001127487.2).
Identifiers: ClinVar variation 508274 (VCV000508274.9), dbSNP rs369731117, ClinGen allele CA4475346.